The following is an entry in ClinVar:

ClinVar aggregate classification (germline): Uncertain significance (1 of 4 stars; one submission).

Allele frequency attached by ClinVar (database versions not stated): TOPMed below 0.00001; gnomAD 0.00001; gnomAD exomes 0.00001.
gnomAD v4.1: 5 of 1,598,378 alleles (0.00031%); highest among the groups gnomAD compares: Middle Eastern, 0.021%; no homozygotes.

Submission:

Labcorp Genetics (formerly Invitae), Labcorp
Classification: Uncertain significance. Last evaluated: 2023-07-29. Review status: criteria provided, single submitter. Criteria: Invitae Variant Classification Sherloc (09022015). Collection method: clinical testing. Allele origin: germline.
Comment: This variant is present in population databases (no rsID available, gnomAD 0.002%). This sequence change replaces leucine, which is neutral and non-polar, with phenylalanine, which is neutral and non-polar, at codon 167 of the DPF2 protein (p.Leu167Phe). This variant has not been reported in the literature in individuals affected with DPF2-related conditions. In summary, the available evidence is currently insufficient to determine the role of this variant in disease. Therefore, it has been classified as a Variant of Uncertain Significance. An algorithm developed to predict the effect of missense changes on protein structure and function (PolyPhen-2) suggests that this variant is likely to be disruptive.

NM_006268.5(DPF2):c.499C>T (p.Leu167Phe)

Gene: DPF2 (double PHD fingers 2; plus strand). Cytogenetic location: 11q13.1.
Variant type: single nucleotide variant.
Coding change: c.499C>T on transcript NM_006268.5 (MANE Select); coding-DNA position 499, C replaced by T.
Protein change: p.Leu167Phe; replaces leucine 167 with phenylalanine.
Molecular consequence: missense variant.
Genome position (GRCh38, 1-based): chr11:65,343,778, C>T. VCF-style: chr11-65343778-C-T. GRCh37 (hg19) VCF-style: chr11-65111249-C-T.
Other names: c.499C>T, p.Leu167Phe (NM_001330308.2); short protein forms L167F.
Identifiers: ClinVar variation 2976948 (VCV002976948.3), dbSNP rs1381561532, ClinGen allele CA381251863.
Genomic context (GRCh38, chr11:65,343,778, plus strand): 5'-CCCATGCTAACCCTCCTGTCCACTCAGCGGATCCTAGAACCAGATGACTTCCTGGATGAC[C>T]TCGATGATGAAGACTATGAAGAAGATACTCCCAAGCGTCGGGGAAAGGGGAAATCCAAGG-3'
Protein context (NP_006259.1, residues 157-177): ILEPDDFLDD[Leu167Phe]DDEDYEEDTP